The following is an entry in ClinVar:

ClinVar aggregate classification (germline): Benign. Review status: criteria provided, single submitter (1 of 4 stars). 2 submissions from 1 submitter: Benign (2). Last evaluated 2018-01-13.

Conditions:
Hyperimmunoglobulin D with periodic fever (HIDS). Also called: HYPERIMMUNOGLOBULINEMIA D AND PERIODIC FEVER SYNDROME; Hyperimmunoglobulinemia D; Hyperimmunoglobulinemia D with periodic fever. Identifiers: Orphanet 343, MedGen C0398691, MONDO:0009849, OMIM 260920.
Mevalonic aciduria (MEVA). Identifiers: Orphanet 29, MedGen C1959626, MONDO:0012481, OMIM 610377.

Allele frequency attached by ClinVar (database versions not stated): gnomAD 0.00072 and 0.00108; TOPMed 0.00125; 1000 Genomes Project 30x 0.00578; 1000 Genomes Project 0.00679.
gnomAD v4.1: 165 of 157,112 alleles (0.11%); highest among the groups gnomAD compares: East Asian, 2.7%; 2 homozygotes.

Submissions (2):

Illumina Laboratory Services, Illumina
Classification: Benign for Mevalonic aciduria. Last evaluated: 2018-01-13. Review status: criteria provided, single submitter. Criteria: ICSL Variant Classification Criteria 13 December 2019. Collection method: clinical testing. Allele origin: germline.
Comment: This variant was observed in the ICSL laboratory as part of a predisposition screen in an ostensibly healthy population. It had not been previously curated by ICSL or reported in the Human Gene Mutation Database (HGMD: prior to June 1st, 2018), and was therefore a candidate for classification through an automated scoring system. Utilizing variant allele frequency, disease prevalence and penetrance estimates, and inheritance mode, an automated score was calculated to assess if this variant is too frequent to cause the disease. Based on the score and internal cut-off values, a variant classified as benign is not then subjected to further curation. The score for this variant resulted in a classification of benign for this disease.

Illumina Laboratory Services, Illumina
Classification: Benign for Hyperimmunoglobulin D with periodic fever. Last evaluated: 2018-01-13. Review status: criteria provided, single submitter. Criteria: ICSL Variant Classification Criteria 13 December 2019. Collection method: clinical testing. Allele origin: germline.
Comment: the same text as in the submission from Illumina Laboratory Services, Illumina above.

NM_000431.4(MVK):c.*660G>A

Gene: MVK (mevalonate kinase; plus strand). Cytogenetic location: 12q24.11.
Variant type: single nucleotide variant.
Coding change: c.*660G>A on transcript NM_000431.4 (MANE Select); 660 bases downstream of the stop codon, G replaced by A.
Molecular consequence: 3 prime UTR variant.
Genome position (GRCh38, 1-based): chr12:109,597,237, G>A. VCF-style: chr12-109597237-G-A. GRCh37 (hg19) VCF-style: chr12-110035042-G-A.
Other names: c.*660G>A (NM_001114185.3, NM_001301182.2, LRG_156t1).
Identifiers: ClinVar variation 307111 (VCV000307111.5), dbSNP rs142493947, ClinGen allele CA10632025.